The following is an entry in ClinVar:

NM_001286.5(CLCN6):c.1440C>A (p.Tyr480Ter)

Gene: CLCN6 (chloride voltage-gated channel 6; plus strand). Cytogenetic location: 1p36.22.
Variant type: single nucleotide variant.
Coding change: c.1440C>A on transcript NM_001286.5 (MANE Select); coding-DNA position 1440, C replaced by A.
Protein change: p.Tyr480Ter; replaces tyrosine 480 with a stop codon.
Molecular consequence: nonsense. On other transcripts: non-coding transcript variant (1).
Genome position (GRCh38, 1-based): chr1:11,833,944, C>A. VCF-style: chr1-11833944-C-A. GRCh37 (hg19) VCF-style: chr1-11894001-C-A.
Other names: c.1374C>A, p.Tyr458Ter (NM_001256959.2); short protein forms Y458*, Y480*.
Identifiers: ClinVar variation 1501032 (VCV001501032.6), dbSNP rs779358393, ClinGen allele CA338435464.

ClinVar aggregate classification (germline): Uncertain significance (1 of 4 stars; one submission).

Submission:

Labcorp Genetics (formerly Invitae), Labcorp
Classification: Uncertain significance. Last evaluated: 2022-07-12. Review status: criteria provided, single submitter. Criteria: Invitae Variant Classification Sherloc (09022015). Collection method: clinical testing. Allele origin: germline.
Comment: This variant has not been reported in the literature in individuals affected with CLCN6-related conditions. This sequence change creates a premature translational stop signal (p.Tyr480*) in the CLCN6 gene. It is expected to result in an absent or disrupted protein product. However, the current clinical and genetic evidence is not sufficient to establish whether loss-of-function variants in CLCN6 cause disease. This variant is not present in population databases (gnomAD no frequency). ClinVar contains an entry for this variant (Variation ID: 1501032). Algorithms developed to predict the effect of sequence changes on RNA splicing suggest that this variant may create or strengthen a splice site. In summary, the available evidence is currently insufficient to determine the role of this variant in disease. Therefore, it has been classified as a Variant of Uncertain Significance.